The following is an entry in ClinVar:

NM_001379081.2(FREM1):c.3373G>A (p.Val1125Ile)

Gene: FREM1 (FRAS1 related extracellular matrix 1; minus strand). Cytogenetic location: 9p22.3.
Variant type: single nucleotide variant.
Coding change: c.3373G>A on transcript NM_001379081.2 (MANE Select); coding-DNA position 3373, G replaced by A.
Protein change: p.Val1125Ile; replaces valine 1125 with isoleucine.
Molecular consequence: missense variant. On other transcripts: non-coding transcript variant (2).
Genome position (GRCh38, 1-based): chr9:14,805,054, C>T on the plus strand (G>A on the coding strand, the complement: FREM1 is on the minus strand). VCF-style: chr9-14805054-C-T. GRCh37 (hg19) VCF-style: chr9-14805052-C-T.
Other names: c.3373G>A, p.Val1125Ile (NM_144966.7); c.3373G>A (NM_144966.5); short protein forms V1125I.
Identifiers: ClinVar variation 2659082 (VCV002659082.27), dbSNP rs367677115, ClinGen allele CA4990579.

ClinVar aggregate classification (germline): Uncertain significance. Review status: criteria provided, multiple submitters, no conflicts (2 of 4 stars). 3 submissions from 3 submitters: Uncertain significance (3). Last evaluated 2025-06-09.

Conditions:
BNAR syndrome. Also called: Bifid Nose With or Without Anorectal and Renal Anomalies (BNAR) Syndrome. Identifiers: Orphanet 217266, MedGen C2750433, MONDO:0012165, OMIM 608980.
Oculotrichoanal syndrome (MOTA). Also called: Manitoba Oculotrichoanal (MOTA) Syndrome; MARLES SYNDROME. Identifiers: Orphanet 2717, MedGen C1855425, MONDO:0009560, OMIM 248450.
Trigonocephaly 2 (TRIGNO2). Identifiers: Orphanet 3366, MedGen C3280974, MONDO:0013774, OMIM 614485.

Allele frequency attached by ClinVar (database versions not stated): gnomAD 0.00003; TOPMed 0.00004; ExAC 0.00006; ESP Exome Variant Server 0.00008.
gnomAD v4.1: 36 of 1,612,882 alleles (0.0022%); highest among the groups gnomAD compares: South Asian, 0.0055%; no homozygotes.

Submissions (3):

Labcorp Genetics (formerly Invitae), Labcorp
Classification: Uncertain significance. Last evaluated: 2025-06-09. Review status: criteria provided, single submitter. Criteria: Invitae Variant Classification Sherloc (09022015). Collection method: clinical testing. Allele origin: germline.
Comment: This sequence change replaces valine, which is neutral and non-polar, with isoleucine, which is neutral and non-polar, at codon 1125 of the FREM1 protein (p.Val1125Ile). This variant is present in population databases (rs367677115, gnomAD 0.006%). This variant has not been reported in the literature in individuals affected with FREM1-related conditions. ClinVar contains an entry for this variant (Variation ID: 2659082). Invitae Evidence Modeling of protein sequence and biophysical properties (such as structural, functional, and spatial information, amino acid conservation, physicochemical variation, residue mobility, and thermodynamic stability) indicates that this missense variant is expected to disrupt FREM1 protein function with a positive predictive value of 80%. In summary, the available evidence is currently insufficient to determine the role of this variant in disease. Therefore, it has been classified as a Variant of Uncertain Significance.

Fulgent Genetics
Classification: Uncertain significance for Oculotrichoanal syndrome; BNAR syndrome; Trigonocephaly 2. Last evaluated: 2024-06-11. Review status: criteria provided, single submitter. Criteria: ACMG Guidelines, 2015. Collection method: clinical testing. Allele origin: germline.

CeGaT Center for Human Genetics Tuebingen
Classification: Uncertain significance. Last evaluated: 2022-05-01. Review status: criteria provided, single submitter. Criteria: CeGaT Center For Human Genetics Tuebingen Variant Classification Criteria Version 2. Collection method: clinical testing. Allele origin: germline. Affected: yes. Observed: 1 variant allele.
Comment: FREM1: PM2:Supporting, BP4